The following is an entry in ClinVar:

NM_001876.4(CPT1A):c.337G>A (p.Gly113Ser)

Gene: CPT1A (carnitine palmitoyltransferase 1A; minus strand). Cytogenetic location: 11q13.3.
Variant type: single nucleotide variant.
Coding change: c.337G>A on transcript NM_001876.4 (MANE Select); coding-DNA position 337, G replaced by A.
Protein change: p.Gly113Ser; replaces glycine 113 with serine.
Molecular consequence: missense variant.
Genome position (GRCh38, 1-based): chr11:68,807,583, C>T on the plus strand (G>A on the coding strand, the complement: CPT1A is on the minus strand). VCF-style: chr11-68807583-C-T. GRCh37 (hg19) VCF-style: chr11-68575051-C-T.
Other names: c.337G>A, p.Gly113Ser (NM_001031847.3); short protein forms G113S.
Identifiers: ClinVar variation 965043 (VCV000965043.10), dbSNP rs555444012, ClinGen allele CA6152702.

ClinVar aggregate classification (germline): Uncertain significance. Review status: criteria provided, multiple submitters, no conflicts (2 of 4 stars). 3 submissions from 3 submitters: Uncertain significance (2). 1 of the submissions does not count toward it. Last evaluated 2024-09-05.

Conditions:
Carnitine palmitoyl transferase 1A deficiency. Also called: Carnitine palmitoyltransferase 1A deficiency; CPT deficiency, hepatic, type IA; CPT I DEFICIENCY; CPT DEFICIENCY, HEPATIC, TYPE I; Carnitine palmitoyltransferase type I deficiency. Identifiers: Orphanet 156, MedGen C1829703, MONDO:0009705, OMIM 255120.

Allele frequency attached by ClinVar (database versions not stated): gnomAD exomes 0.00010; ExAC 0.00011; TOPMed 0.00014; gnomAD 0.00015 and 0.00016; 1000 Genomes Project 0.00020; 1000 Genomes Project 30x 0.00031.

Submissions (3):

Labcorp Genetics (formerly Invitae), Labcorp
Classification: Uncertain significance for Carnitine palmitoyl transferase 1A deficiency. Last evaluated: 2024-09-05. Review status: criteria provided, single submitter. Criteria: Invitae Variant Classification Sherloc (09022015). Collection method: clinical testing. Allele origin: germline.
Comment: This sequence change replaces glycine, which is neutral and non-polar, with serine, which is neutral and polar, at codon 113 of the CPT1A protein (p.Gly113Ser). This variant is present in population databases (rs555444012, gnomAD 0.02%). This variant has not been reported in the literature in individuals affected with CPT1A-related conditions. ClinVar contains an entry for this variant (Variation ID: 965043). Invitae Evidence Modeling of protein sequence and biophysical properties (such as structural, functional, and spatial information, amino acid conservation, physicochemical variation, residue mobility, and thermodynamic stability) indicates that this missense variant is not expected to disrupt CPT1A protein function with a negative predictive value of 95%. In summary, the available evidence is currently insufficient to determine the role of this variant in disease. Therefore, it has been classified as a Variant of Uncertain Significance.

GeneDx
Classification: Uncertain significance. Last evaluated: 2023-04-18. Review status: criteria provided, single submitter. Criteria: GeneDx Variant Classification Process June 2021. Collection method: clinical testing. Allele origin: germline. Affected: yes.
Comment: Has not been previously published as pathogenic or benign to our knowledge; In silico analysis supports that this missense variant has a deleterious effect on protein structure/function

Natera, Inc.
Classification: Uncertain significance for Carnitine palmitoyltransferase type I deficiency. Last evaluated: 2020-03-20. Review status: no assertion criteria provided. Collection method: clinical testing. Allele origin: germline. Not counted in ClinVar's aggregate classification.